The following is an entry in ClinVar:

NM_001384474.1(LOXHD1):c.6211A>G (p.Ser2071Gly)

Gene: LOXHD1 (lipoxygenase homology PLAT domains 1; minus strand). Cytogenetic location: 18q21.1.
Variant type: single nucleotide variant.
Coding change: c.6211A>G on transcript NM_001384474.1 (MANE Select); coding-DNA position 6211, A replaced by G.
Protein change: p.Ser2071Gly; replaces serine 2071 with glycine.
Molecular consequence: missense variant.
Genome position (GRCh38, 1-based): chr18:46,483,717, T>C on the plus strand (A>G on the coding strand, the complement: LOXHD1 is on the minus strand). VCF-style: chr18-46483717-T-C. GRCh37 (hg19) VCF-style: chr18-44063680-T-C.
Other names: c.2878A>G, p.Ser960Gly (NM_001145472.3); c.928A>G, p.Ser310Gly (NM_001145473.3, NM_001173129.2); c.2590A>G, p.Ser864Gly (NM_001308013.2); c.6025A>G, p.Ser2009Gly (NM_144612.7); short protein forms S864G, S2009G, S2071G, S310G, S960G.
Identifiers: ClinVar variation 1427672 (VCV001427672.5), dbSNP rs989907321, ClinGen allele CA299782905.

ClinVar aggregate classification (germline): Uncertain significance (1 of 4 stars; one submission).

Allele frequency attached by ClinVar (database versions not stated): gnomAD 0.00001; TOPMed 0.00001; gnomAD exomes 0.00001.
gnomAD v4.1: 22 of 1,551,490 alleles (0.0014%); highest among the groups gnomAD compares: Non-Finnish European, 0.0019%; no homozygotes.

Submission:

Labcorp Genetics (formerly Invitae), Labcorp
Classification: Uncertain significance. Last evaluated: 2021-09-17. Review status: criteria provided, single submitter. Criteria: Invitae Variant Classification Sherloc (09022015). Collection method: clinical testing. Allele origin: germline.
Comment: This sequence change replaces serine with glycine at codon 2009 of the LOXHD1 protein (p.Ser2009Gly). The serine residue is moderately conserved and there is a small physicochemical difference between serine and glycine. This variant is not present in population databases (ExAC no frequency). This variant has not been reported in the literature in individuals with LOXHD1-related conditions. Algorithms developed to predict the effect of missense changes on protein structure and function are either unavailable or do not agree on the potential impact of this missense change (SIFT: "Deleterious"; PolyPhen-2: "Benign"; Align-GVGD: "Class C0"). In summary, the available evidence is currently insufficient to determine the role of this variant in disease. Therefore, it has been classified as a Variant of Uncertain Significance.